The following is an entry in ClinVar:

NM_000441.2(SLC26A4):c.746_757delinsACTGTCTC (p.Gly249fs)

Gene: SLC26A4 (solute carrier family 26 member 4; plus strand). Cytogenetic location: 7q22.3.
Variant type: Indel.
Coding change: c.746_757delinsACTGTCTC on transcript NM_000441.2 (MANE Select); coding-DNA positions 746 to 757, GAGTTCTCTCTA replaced by ACTGTCTC.
Protein change: p.Gly249fs; shifts the reading frame from glycine 249.
Molecular consequence: frameshift variant.
Genome position (GRCh38, 1-based): chr7:107,675,090-107,675,101, GAGTTCTCTCTA replaced by ACTGTCTC. VCF-style: chr7-107675090-GAGTTCTCTCTA-ACTGTCTC. GRCh37 (hg19) VCF-style: chr7-107315535-GAGTTCTCTCTA-ACTGTCTC.
Other names: short protein forms G249fs.
Identifiers: ClinVar variation 5011249 (VCV005011249.1).

ClinVar aggregate classification (germline): Pathogenic (1 of 4 stars; one submission).

Conditions:
Pendred syndrome (PDS). Also called: DEAFNESS WITH GOITER; GOITER-DEAFNESS SYNDROME; HYPOTHYROIDISM, CONGENITAL, DUE TO DYSHORMONOGENESIS, 2B; THYROID DYSHORMONOGENESIS 2B; THYROID HORMONOGENESIS, GENETIC DEFECT IN, 2B; Pendred's syndrome. Identifiers: Orphanet 705, MedGen C0271829, MONDO:0010134, OMIM 274600.

Submission:

Myriad Genetics, Inc.
Classification: Pathogenic for Pendred syndrome. Last evaluated: 2023-08-06. Review status: criteria provided, single submitter. Criteria: Myriad Autosomal Dominant, Autosomal Recessive and X-Linked Classification Criteria (2023). Collection method: clinical testing. Allele origin: unknown.
Comment: NM_000441.1(SLC26A4):c.746_757del12ins8(G249Dfs*39) is expected to be pathogenic in the context of Pendred syndrome. This variant is predicted to lead to an abnormal or absent protein product due to the creation of a premature termination codon in SLC26A4, a gene where loss-of-function variants are known to be pathogenic. Please note: this variant was assessed in the context of healthy population screening.